The following is an entry in ClinVar:

NM_000548.5(TSC2):c.3623G>A (p.Trp1208Ter)

Gene: TSC2 (TSC complex subunit 2; plus strand). Cytogenetic location: 16p13.3.
Variant type: single nucleotide variant.
Coding change: c.3623G>A on transcript NM_000548.5 (MANE Select); coding-DNA position 3623, G replaced by A.
Protein change: p.Trp1208Ter; replaces tryptophan 1208 with a stop codon.
Molecular consequence: nonsense.
Genome position (GRCh38, 1-based): chr16:2,081,607, G>A. VCF-style: chr16-2081607-G-A. GRCh37 (hg19) VCF-style: chr16-2131608-G-A.
Other names: c.3491G>A, p.Trp1164Ter (NM_001077183.3, NM_001370404.1); c.3623G>A, p.Trp1208Ter (NM_001114382.3); c.3383G>A, p.Trp1128Ter (NM_001318827.2); c.3347G>A, p.Trp1116Ter (NM_001318829.2); c.2891G>A, p.Trp964Ter (NM_001318831.2); c.3524G>A, p.Trp1175Ter (NM_001318832.2); c.3494G>A, p.Trp1165Ter (NM_001363528.2, NM_001370405.1, NM_021055.3); short protein forms W1208*, W1165*, W964*, W1116*, W1164*, W1175*, W1128*.
Identifiers: ClinVar variation 64973 (VCV000064973.9), dbSNP rs397514979, ClinGen allele CA019419.

ClinVar aggregate classification (germline): Pathogenic. Review status: criteria provided, single submitter (1 of 4 stars). 2 submissions from 2 submitters: Pathogenic (1). 1 of the submissions does not count toward it. Last evaluated 2024-05-06.

Conditions:
Tuberous sclerosis syndrome (TSC). Also called: Tuberous Sclerosis Complex; Tuberous sclerosis. Identifiers: Orphanet 805, MedGen C0041341, MONDO:0001734.
Tuberous sclerosis 2 (TSC2). Identifiers: Orphanet 805, MedGen C1860707, MONDO:0013199, OMIM 613254.

Submissions (2):

Labcorp Genetics (formerly Invitae), Labcorp
Classification: Pathogenic for Tuberous sclerosis 2. Last evaluated: 2024-05-06. Review status: criteria provided, single submitter. Criteria: Invitae Variant Classification Sherloc (09022015). Collection method: clinical testing. Allele origin: germline.
Comment: This sequence change creates a premature translational stop signal (p.Trp1208*) in the TSC2 gene. It is expected to result in an absent or disrupted protein product. Loss-of-function variants in TSC2 are known to be pathogenic (PMID: 10205261, 17304050). This variant is not present in population databases (gnomAD no frequency). This premature translational stop signal has been observed in individual(s) with tuberous sclerosis (PMID: 21520333, 32313033). ClinVar contains an entry for this variant (Variation ID: 64973). For these reasons, this variant has been classified as Pathogenic.

Tuberous sclerosis database (TSC2)
No classification provided. Condition: TSC. Review status: no classification provided. Criteria: Tuberous Sclerosis Database Assertion Criteria 2015. Collection method: curation. Allele origin: germline. Affected: yes. Not counted in ClinVar's aggregate classification.

Literature cited by the submitters: PubMed 10205261 (cited by Labcorp Genetics (formerly Invitae), Labcorp); PubMed 17304050 (cited by Labcorp Genetics (formerly Invitae), Labcorp); PubMed 21520333 (cited by Labcorp Genetics (formerly Invitae), Labcorp); PubMed 32313033 (cited by Labcorp Genetics (formerly Invitae), Labcorp).